The following is an entry in ClinVar:

NM_006766.5(KAT6A):c.4428G>A (p.Ala1476=)

Gene: KAT6A (lysine acetyltransferase 6A; minus strand). Cytogenetic location: 8p11.21.
Variant type: single nucleotide variant.
Coding change: c.4428G>A on transcript NM_006766.5 (MANE Select); coding-DNA position 4428, G replaced by A.
Protein change: p.Ala1476=; no amino-acid change (alanine 1476 retained).
Molecular consequence: synonymous variant.
Genome position (GRCh38, 1-based): chr8:41,933,792, C>T on the plus strand (G>A on the coding strand, the complement: KAT6A is on the minus strand). VCF-style: chr8-41933792-C-T. GRCh37 (hg19) VCF-style: chr8-41791310-C-T.
Identifiers: ClinVar variation 2141683 (VCV002141683.9), dbSNP rs369778154, ClinGen allele CA4729489.
Genomic context (GRCh38, chr8:41,933,792, plus strand): 5'-CGAACGGACTGACTGGCTGGGGTGAGACTGAACGGAGGAGATAGGGCTATTATGTTCTGA[C>T]GCATGACAGTCTTCAACCATGGACATCTGAGGGTCCTCGTCAGCCTGGGTGTAACTCTGC-3'
Protein context (NP_006757.2, residues 1466-1486): PQMSMVEDCH[Ala1476=]SEHNSPISSV

ClinVar aggregate classification (germline): Likely benign. Review status: criteria provided, multiple submitters, no conflicts (2 of 4 stars). 2 submissions from 2 submitters: Likely benign (2). Last evaluated 2025-12-01.

Allele frequency attached by ClinVar (database versions not stated): ExAC 0.00002; TOPMed 0.00003; gnomAD 0.00006.
gnomAD v4.1: 70 of 1,613,966 alleles (0.0043%); highest among the groups gnomAD compares: Middle Eastern, 0.016%; no homozygotes.

Submissions (2):

CeGaT Center for Human Genetics Tuebingen
Classification: Likely benign. Last evaluated: 2025-12-01. Review status: criteria provided, single submitter. Criteria: CeGaT Center For Human Genetics Tuebingen Variant Classification Criteria Version 2. Collection method: clinical testing. Allele origin: germline. Affected: yes. Observed: 1 variant allele.
Comment: KAT6A: BP4, BP7

Labcorp Genetics (formerly Invitae), Labcorp
Classification: Likely benign. Last evaluated: 2025-09-08. Review status: criteria provided, single submitter. Criteria: Invitae Variant Classification Sherloc (09022015). Collection method: clinical testing. Allele origin: germline.